The following is an entry in ClinVar:

NM_000155.4(GALT):c.663C>T (p.Tyr221=)

Gene: GALT (galactose-1-phosphate uridylyltransferase; plus strand). Cytogenetic location: 9p13.3.
Variant type: single nucleotide variant.
Coding change: c.663C>T on transcript NM_000155.4 (MANE Select); coding-DNA position 663, C replaced by T.
Protein change: p.Tyr221=; no amino-acid change (tyrosine 221 retained).
Molecular consequence: synonymous variant.
Genome position (GRCh38, 1-based): chr9:34,648,432, C>T. VCF-style: chr9-34648432-C-T. GRCh37 (hg19) VCF-style: chr9-34648429-C-T.
Other names: c.336C>T, p.Tyr112= (NM_001258332.2).
Identifiers: ClinVar variation 1159674 (VCV001159674.33), dbSNP rs755000603, ClinGen allele CA5036180.

ClinVar aggregate classification (germline): Likely benign. Review status: criteria provided, multiple submitters, no conflicts (2 of 4 stars). 2 submissions from 2 submitters: Likely benign (2). Last evaluated 2023-06-01.

Conditions:
Deficiency of UDPglucose-hexose-1-phosphate uridylyltransferase. Also called: GALT deficiency; Galactosemia, classic; GALACTOSEMIA I; Transferase Deficiency Galactosemia; GALACTOSE-1-PHOSPHATE URIDYLYLTRANSFERASE DEFICIENCY. Identifiers: Orphanet 352, Orphanet 79239, MedGen C0268151, MONDO:0009258, OMIM 230400.

Allele frequency attached by ClinVar (database versions not stated): ExAC 0.00001; gnomAD exomes 0.00001; TOPMed 0.00001.
gnomAD v4.1: 9 of 1,614,172 alleles (0.00056%); highest among the groups gnomAD compares: South Asian, 0.0011%; no homozygotes.

Submissions (2):

CeGaT Center for Human Genetics Tuebingen
Classification: Likely benign. Last evaluated: 2023-06-01. Review status: criteria provided, single submitter. Criteria: CeGaT Center For Human Genetics Tuebingen Variant Classification Criteria Version 2. Collection method: clinical testing. Allele origin: germline. Affected: yes. Observed: 1 variant allele.
Comment: GALT: BP4, BP7

Labcorp Genetics (formerly Invitae), Labcorp
Classification: Likely benign for Deficiency of UDPglucose-hexose-1-phosphate uridylyltransferase. Last evaluated: 2022-11-01. Review status: criteria provided, single submitter. Criteria: Invitae Variant Classification Sherloc (09022015). Collection method: clinical testing. Allele origin: germline.